The following is an entry in ClinVar:

NM_006231.4(POLE):c.4937C>T (p.Ala1646Val)

Gene: POLE (DNA polymerase epsilon, catalytic subunit; minus strand). Cytogenetic location: 12q24.33.
Variant type: single nucleotide variant.
Coding change: c.4937C>T on transcript NM_006231.4 (MANE Select); coding-DNA position 4937, C replaced by T.
Protein change: p.Ala1646Val; replaces alanine 1646 with valine.
Molecular consequence: missense variant.
Genome position (GRCh38, 1-based): chr12:132,642,521, G>A on the plus strand (C>T on the coding strand, the complement: POLE is on the minus strand). VCF-style: chr12-132642521-G-A. GRCh37 (hg19) VCF-style: chr12-133219107-G-A.
Other names: short protein forms A1646V.
Identifiers: ClinVar variation 2126321 (VCV002126321.4), dbSNP rs2541885357, ClinGen allele CA387377856.

ClinVar aggregate classification (germline): Uncertain significance (1 of 4 stars; one submission).

Submission:

Labcorp Genetics (formerly Invitae), Labcorp
Classification: Uncertain significance. Last evaluated: 2022-04-15. Review status: criteria provided, single submitter. Criteria: Invitae Variant Classification Sherloc (09022015). Collection method: clinical testing. Allele origin: germline.
Comment: In summary, the available evidence is currently insufficient to determine the role of this variant in disease. Therefore, it has been classified as a Variant of Uncertain Significance. Algorithms developed to predict the effect of missense changes on protein structure and function (SIFT, PolyPhen-2, Align-GVGD) all suggest that this variant is likely to be tolerated. This variant has not been reported in the literature in individuals affected with POLE-related conditions. This variant is not present in population databases (gnomAD no frequency). This sequence change replaces alanine, which is neutral and non-polar, with valine, which is neutral and non-polar, at codon 1646 of the POLE protein (p.Ala1646Val).